The following is an entry in ClinVar:

ClinVar aggregate classification (germline): Uncertain significance. Review status: criteria provided, multiple submitters, no conflicts (2 of 4 stars). 2 submissions from 2 submitters: Uncertain significance (2). Last evaluated 2025-12-04.

Conditions:
Inborn genetic diseases. Identifiers: MedGen C0950123, MeSH D030342.

gnomAD v4.1: 2 of 1,614,032 alleles (0.00012%); highest among the groups gnomAD compares: Non-Finnish European, 0.00017%; no homozygotes.

Submissions (2):

Ambry Genetics
Classification: Uncertain significance for Inborn genetic diseases. Last evaluated: 2025-12-04. Review status: criteria provided, single submitter. Criteria: Ambry Variant Classification Scheme 2023. Collection method: clinical testing. Allele origin: germline.

Labcorp Genetics (formerly Invitae), Labcorp
Classification: Uncertain significance. Last evaluated: 2025-07-31. Review status: criteria provided, single submitter. Criteria: Invitae Variant Classification Sherloc (09022015). Collection method: clinical testing. Allele origin: germline.
Comment: This sequence change replaces alanine, which is neutral and non-polar, with threonine, which is neutral and polar, at codon 1138 of the DUOX2 protein (p.Ala1138Thr). This variant is not present in population databases (gnomAD no frequency). This variant has not been reported in the literature in individuals affected with DUOX2-related conditions. Invitae Evidence Modeling of protein sequence and biophysical properties (such as structural, functional, and spatial information, amino acid conservation, physicochemical variation, residue mobility, and thermodynamic stability) indicates that this missense variant is not expected to disrupt DUOX2 protein function with a negative predictive value of 80%. In summary, the available evidence is currently insufficient to determine the role of this variant in disease. Therefore, it has been classified as a Variant of Uncertain Significance.

NM_001363711.2(DUOX2):c.3412G>A (p.Ala1138Thr)

Gene: DUOX2 (dual oxidase 2; minus strand). Cytogenetic location: 15q21.1.
Variant type: single nucleotide variant.
Coding change: c.3412G>A on transcript NM_001363711.2 (MANE Select); coding-DNA position 3412, G replaced by A.
Protein change: p.Ala1138Thr; replaces alanine 1138 with threonine.
Molecular consequence: missense variant.
Genome position (GRCh38, 1-based): chr15:45,099,665, C>T on the plus strand (G>A on the coding strand, the complement: DUOX2 is on the minus strand). VCF-style: chr15-45099665-C-T. GRCh37 (hg19) VCF-style: chr15-45391863-C-T.
Other names: c.3412G>A, p.Ala1138Thr (NM_014080.5); short protein forms A1138T.
Identifiers: ClinVar variation 4618064 (VCV004618064.2).